The following is an entry in ClinVar:

ClinVar aggregate classification (germline): Uncertain significance (1 of 4 stars; one submission).

Submission:

Women's Health and Genetics/Laboratory Corporation of America, LabCorp
Classification: Uncertain significance. Last evaluated: 2025-06-04. Review status: criteria provided, single submitter. Criteria: LabCorp Variant Classification Summary - May 2015. Collection method: clinical testing. Allele origin: germline.
Comment: Variant summary: AHDC1 c.2997C>G (p.Ser999Arg) results in a non-conservative amino acid change in the encoded protein sequence. Algorithms developed to predict the effect of missense changes on protein structure and function are either unavailable or do not agree on the potential impact of this missense change. The variant was absent in 205578 control chromosomes. The available data on variant occurrences in the general population are insufficient to allow any conclusion about variant significance. To our knowledge, no occurrence of c.2997C>G in individuals affected with Xia-Gibbs Syndrome and no experimental evidence demonstrating its impact on protein function have been reported. No submitters have cited clinical-significance assessments for this variant to ClinVar. Based on the evidence outlined above, the variant was classified as uncertain significance.

NM_001371928.1(AHDC1):c.2997C>G (p.Ser999Arg)

Gene: AHDC1 (AT-hook DNA binding motif containing 1; minus strand). Cytogenetic location: 1p36.11.
Variant type: single nucleotide variant.
Coding change: c.2997C>G on transcript NM_001371928.1 (MANE Select); coding-DNA position 2997, C replaced by G.
Protein change: p.Ser999Arg; replaces serine 999 with arginine.
Molecular consequence: missense variant.
Genome position (GRCh38, 1-based): chr1:27,549,119, G>C on the plus strand (C>G on the coding strand, the complement: AHDC1 is on the minus strand). VCF-style: chr1-27549119-G-C. GRCh37 (hg19) VCF-style: chr1-27875630-G-C.
Other names: c.2997C>G, p.Ser999Arg (NM_001029882.3); short protein forms S999R.
Identifiers: ClinVar variation 3907380 (VCV003907380.1).